The following is an entry in ClinVar:

NM_000212.3(ITGB3):c.2335A>G (p.Thr779Ala)

Genes: EFCAB13-DT (EFCAB13 divergent transcript; minus strand), ITGB3 (integrin subunit beta 3; plus strand). Cytogenetic location: 17q21.32.
Variant type: single nucleotide variant.
Coding change: c.2335A>G on transcript NM_000212.3 (MANE Select); coding-DNA position 2335, A replaced by G.
Protein change: p.Thr779Ala; replaces threonine 779 with alanine.
Molecular consequence: missense variant.
Genome position (GRCh38, 1-based): chr17:47,310,172, A>G. VCF-style: chr17-47310172-A-G. GRCh37 (hg19) VCF-style: chr17-45387538-A-G.
Other names: short protein forms T779A.
Identifiers: ClinVar variation 2069010 (VCV002069010.2), dbSNP rs142369738, ClinGen allele CA8623520.

ClinVar aggregate classification (germline): Uncertain significance. Review status: criteria provided, multiple submitters, no conflicts (2 of 4 stars). 2 submissions from 2 submitters: Uncertain significance (2). Last evaluated 2022-10-17.

Allele frequency attached by ClinVar (database versions not stated): ExAC 0.00001; gnomAD exomes 0.00001; TOPMed 0.00001; gnomAD 0.00002; 1000 Genomes Project 30x 0.00016; 1000 Genomes Project 0.00020.
gnomAD v4.1: 14 of 1,614,066 alleles (0.00087%); highest among the groups gnomAD compares: East Asian, 0.0022%; no homozygotes.

Submissions (2):

Labcorp Genetics (formerly Invitae), Labcorp
Classification: Uncertain significance. Last evaluated: 2022-10-17. Review status: criteria provided, single submitter. Criteria: Invitae Variant Classification Sherloc (09022015). Collection method: clinical testing. Allele origin: germline.
Comment: This sequence change replaces threonine, which is neutral and polar, with alanine, which is neutral and non-polar, at codon 779 of the ITGB3 protein (p.Thr779Ala). This variant is present in population databases (rs142369738, gnomAD 0.006%). This variant has not been reported in the literature in individuals affected with ITGB3-related conditions. Algorithms developed to predict the effect of missense changes on protein structure and function (SIFT, PolyPhen-2, Align-GVGD) all suggest that this variant is likely to be disruptive. In summary, the available evidence is currently insufficient to determine the role of this variant in disease. Therefore, it has been classified as a Variant of Uncertain Significance.

Blueprint Genetics
Classification: Uncertain significance. Last evaluated: 2017-09-07. Review status: criteria provided, single submitter. Criteria: ACMG Guidelines, 2015. Collection method: clinical testing. Allele origin: germline.